The following is an entry in ClinVar:

ClinVar aggregate classification (germline): Uncertain significance. Review status: criteria provided, multiple submitters, no conflicts (2 of 4 stars). 2 submissions from 2 submitters: Uncertain significance (2). Last evaluated 2022-08-03.

Conditions:
Charcot-Marie-Tooth disease axonal type 2C (HMSN2C). Also called: CHARCOT-MARIE-TOOTH DISEASE, AXONAL, AUTOSOMAL DOMINANT, TYPE 2C; Charcot-Marie-Tooth Neuropathy Type 2C; Charcot-Marie-Tooth Disease Type 2, TRPV4-Related (CMT2C). Identifiers: Orphanet 99937, MedGen C1853710, MONDO:0011633, OMIM 606071.

Allele frequency attached by ClinVar (database versions not stated): TOPMed 0.00002.

Submissions (2):

Labcorp Genetics (formerly Invitae), Labcorp
Classification: Uncertain significance for Charcot-Marie-Tooth disease axonal type 2C. Last evaluated: 2022-08-03. Review status: criteria provided, single submitter. Criteria: Invitae Variant Classification Sherloc (09022015). Collection method: clinical testing. Allele origin: germline.
Comment: This variant has not been reported in the literature in individuals affected with TRPV4-related conditions. This sequence change replaces arginine, which is basic and polar, with histidine, which is basic and polar, at codon 206 of the TRPV4 protein (p.Arg206His). This variant is present in population databases (rs373108373, gnomAD 0.002%). ClinVar contains an entry for this variant (Variation ID: 684495). Advanced modeling of protein sequence and biophysical properties (such as structural, functional, and spatial information, amino acid conservation, physicochemical variation, residue mobility, and thermodynamic stability) performed at Invitae indicates that this missense variant is not expected to disrupt TRPV4 protein function. In summary, the available evidence is currently insufficient to determine the role of this variant in disease. Therefore, it has been classified as a Variant of Uncertain Significance.

Centre for Mendelian Genomics, University Medical Centre Ljubljana
Classification: Uncertain significance for Charcot-Marie-Tooth disease axonal type 2C. Last evaluated: 2019-06-21. Review status: criteria provided, single submitter. Criteria: ACMG Guidelines, 2015. Collection method: clinical testing. Allele origin: unknown. Affected: yes.
Comment: This variant was classified as: Uncertain significance. The available evidence on this variant's pathogenicity is insufficient or conflicting. The following ACMG criteria were applied in classifying this variant: No criteria apply.

NM_021625.5(TRPV4):c.617G>A (p.Arg206His)

Gene: TRPV4 (transient receptor potential cation channel subfamily V member 4; minus strand). Cytogenetic location: 12q24.11.
Variant type: single nucleotide variant.
Coding change: c.617G>A on transcript NM_021625.5 (MANE Select); coding-DNA position 617, G replaced by A.
Protein change: p.Arg206His; replaces arginine 206 with histidine.
Molecular consequence: missense variant.
Genome position (GRCh38, 1-based): chr12:109,803,086, C>T on the plus strand (G>A on the coding strand, the complement: TRPV4 is on the minus strand). VCF-style: chr12-109803086-C-T. GRCh37 (hg19) VCF-style: chr12-110240891-C-T.
Other names: c.617G>A, p.Arg206His (NM_001177428.2, NM_001177433.2, NM_147204.3); c.515G>A, p.Arg172His (NM_001177431.2); short protein forms R206H, R172H.
Identifiers: ClinVar variation 684495 (VCV000684495.9), dbSNP rs373108373, ClinGen allele CA6780493.